The following is an entry in ClinVar:

NM_001105206.3(LAMA4):c.5046C>T (p.Ser1682=)

Gene: LAMA4 (laminin subunit alpha 4; minus strand). Cytogenetic location: 6q21.
Variant type: single nucleotide variant.
Coding change: c.5046C>T on transcript NM_001105206.3 (MANE Select); coding-DNA position 5046, C replaced by T.
Protein change: p.Ser1682=; no amino-acid change (serine 1682 retained).
Molecular consequence: synonymous variant.
Genome position (GRCh38, 1-based): chr6:112,115,929, G>A on the plus strand (C>T on the coding strand, the complement: LAMA4 is on the minus strand). VCF-style: chr6-112115929-G-A. GRCh37 (hg19) VCF-style: chr6-112437132-G-A.
Other names: c.5025C>T (LRG_433t2); c.5025C>T, p.Ser1675= (NM_001105207.3, NM_002290.5).
Identifiers: ClinVar variation 509053 (VCV000509053.10), dbSNP rs782783070, ClinGen allele CA3964833.
Genomic context (GRCh38, chr6:112,115,929, plus strand): 5'-ATTTTTCATGTGAACATTTAGGTACTCCCCATTGACACTGTGGCCGTGGACCAGGGTTCC[G>A]GAACTGCTTCTGGGACGGACTTCAAATGCAATTTCAAACTTCAATCCAATATTGAAAGAT-3'
Protein context (NP_001098676.2, residues 1672-1692): IAFEVRPRSS[Ser1682=]GTLVHGHSVN

ClinVar aggregate classification (germline): Likely benign. Review status: criteria provided, multiple submitters, no conflicts (2 of 4 stars). 3 submissions from 3 submitters: Likely benign (3). Last evaluated 2025-11-10.

Conditions:
Dilated cardiomyopathy 1JJ (CMD1JJ). Identifiers: Orphanet 154, MedGen C3808935, MONDO:0014095, OMIM 615235.
Cardiovascular phenotype. Identifiers: MedGen CN230736.

Allele frequency attached by ClinVar (database versions not stated): gnomAD 0.00001; gnomAD exomes 0.00001 and 0.00002; ExAC 0.00002; TOPMed 0.00002.
gnomAD v4.1: 20 of 1,613,312 alleles (0.0012%); highest among the groups gnomAD compares: African/African-American, 0.0067%; no homozygotes.

Submissions (3):

Labcorp Genetics (formerly Invitae), Labcorp
Classification: Likely benign for Dilated cardiomyopathy 1JJ. Last evaluated: 2025-11-10. Review status: criteria provided, single submitter. Criteria: Invitae Variant Classification Sherloc (09022015). Collection method: clinical testing. Allele origin: germline.

Ambry Genetics
Classification: Likely benign for Cardiovascular phenotype. Last evaluated: 2019-07-12. Review status: criteria provided, single submitter. Criteria: Ambry Variant Classification Scheme 2023. Collection method: clinical testing. Allele origin: germline.

GeneDx
Classification: Likely benign. Last evaluated: 2017-04-20. Review status: criteria provided, single submitter. Criteria: GeneDx Variant Classification (06012015). Collection method: clinical testing. Allele origin: germline. Affected: yes.
Comment: This variant is considered likely benign or benign based on one or more of the following criteria: it is a conservative change, it occurs at a poorly conserved position in the protein, it is predicted to be benign by multiple in silico algorithms, and/or has population frequency not consistent with disease.